The following is an entry in ClinVar:

ClinVar aggregate classification (germline): Uncertain significance (1 of 4 stars; one submission).

gnomAD v4.1: 37 of 1,611,836 alleles (0.0023%); highest among the groups gnomAD compares: Non-Finnish European, 0.0031%; no homozygotes.

Submission:

Labcorp Genetics (formerly Invitae), Labcorp
Classification: Uncertain significance. Last evaluated: 2021-09-04. Review status: criteria provided, single submitter. Criteria: Invitae Variant Classification Sherloc (09022015). Collection method: clinical testing. Allele origin: germline.
Comment: This sequence change replaces arginine with glycine at codon 621 of the EMC1 protein (p.Arg621Gly). The arginine residue is moderately conserved and there is a moderate physicochemical difference between arginine and glycine. This variant is present in population databases (rs116784512, ExAC 0.001%). This variant has not been reported in the literature in individuals affected with EMC1-related conditions. Algorithms developed to predict the effect of missense changes on protein structure and function (SIFT, PolyPhen-2, Align-GVGD) all suggest that this variant is likely to be tolerated. In summary, the available evidence is currently insufficient to determine the role of this variant in disease. Therefore, it has been classified as a Variant of Uncertain Significance.

NM_015047.3(EMC1):c.1861C>G (p.Arg621Gly)

Genes: EMC1 (ER membrane protein complex subunit 1; minus strand), EMC1-AS1 (EMC1 antisense RNA 1; plus strand). Cytogenetic location: 1p36.13.
Variant type: single nucleotide variant.
Coding change: c.1861C>G on transcript NM_015047.3 (MANE Select); coding-DNA position 1861, C replaced by G.
Protein change: p.Arg621Gly; replaces arginine 621 with glycine.
Molecular consequence: missense variant.
Genome position (GRCh38, 1-based): chr1:19,231,344, G>C on the plus strand (C>G on the coding strand, the complement: EMC1 is on the minus strand). VCF-style: chr1-19231344-G-C. GRCh37 (hg19) VCF-style: chr1-19557838-G-C.
Other names: c.1858C>G, p.Arg620Gly (NM_001271427.2, NM_001271428.2); c.1795C>G, p.Arg599Gly (NM_001271429.2); c.1870C>G, p.Arg624Gly (NM_001375820.1); c.1867C>G, p.Arg623Gly (NM_001375821.1); short protein forms R621G, R623G, R620G, R624G, R599G.
Identifiers: ClinVar variation 1445099 (VCV001445099.6), dbSNP rs116784512, ClinGen allele CA652480.